The following is an entry in ClinVar:

ClinVar aggregate classification (germline): Benign/Likely benign. Review status: criteria provided, multiple submitters, no conflicts (2 of 4 stars). 4 submissions from 4 submitters: Benign (1); Likely benign (2). 1 of the submissions does not count toward it. Last evaluated 2019-06-21.

Allele frequency attached by ClinVar (database versions not stated): ExAC 0.00358; ESP Exome Variant Server 0.00478; TOPMed 0.00616; gnomAD 0.00641; 1000 Genomes Project 30x 0.00750; 1000 Genomes Project 0.00779.
gnomAD v4.1: 3,952 of 1,609,636 alleles (0.25%); highest among the groups gnomAD compares: African/African-American, 1.8%; 20 homozygotes.

Submissions (4):

GeneDx
Classification: Likely benign. Last evaluated: 2019-06-21. Review status: criteria provided, single submitter. Criteria: GeneDx Variant Classification Process June 2021. Collection method: clinical testing. Allele origin: germline. Affected: yes.

Breakthrough Genomics
Classification: Likely benign. Review status: criteria provided, single submitter. Criteria: ACMG Guidelines, 2015. Collection method: not provided. Allele origin: germline. Inheritance: Autosomal recessive inheritance. Affected: yes.

PreventionGenetics, part of Exact Sciences
Classification: Benign. Review status: criteria provided, single submitter. Criteria: ACMG Guidelines, 2015. Collection method: clinical testing. Allele origin: germline.

Leiden Open Variation Database
Classification: Likely benign. Last evaluated: 2012-08-31. Review status: no assertion criteria provided. Collection method: curation. Allele origin: germline. Affected: yes. Not counted in ClinVar's aggregate classification.
Comment: Curator: Arleen D. Auerbach. Submitter to LOVD: Janine Bakker.

Literature cited by the submitters: PubMed 22911665 (cited by Leiden Open Variation Database).

NM_032444.4(SLX4):c.1925-30G>A

Gene: SLX4 (SLX4 structure-specific endonuclease subunit; minus strand). Cytogenetic location: 16p13.3.
Variant type: single nucleotide variant.
Coding change: c.1925-30G>A on transcript NM_032444.4 (MANE Select); 30 bases into the intron before coding-DNA position 1925, G replaced by A.
Molecular consequence: intron variant.
Genome position (GRCh38, 1-based): chr16:3,595,723, C>T on the plus strand (G>A on the coding strand, the complement: SLX4 is on the minus strand). VCF-style: chr16-3595723-C-T. GRCh37 (hg19) VCF-style: chr16-3645724-C-T.
Other names: c.1925-30G>A (LRG_503t1).
Identifiers: ClinVar variation 262039 (VCV000262039.6), dbSNP rs149916101, ClinGen allele CA7866365.